The following is an entry in ClinVar:

NM_000548.5(TSC2):c.3284+20C>T

Gene: TSC2 (TSC complex subunit 2; plus strand). Cytogenetic location: 16p13.3.
Variant type: single nucleotide variant.
Coding change: c.3284+20C>T on transcript NM_000548.5 (MANE Select); 20 bases into the intron after coding-DNA position 3284, C replaced by T.
Molecular consequence: intron variant.
Genome position (GRCh38, 1-based): chr16:2,079,448, C>T. VCF-style: chr16-2079448-C-T. GRCh37 (hg19) VCF-style: chr16-2129449-C-T.
Other names: c.3284+20C>T (NM_001114382.3); c.3155+20C>T (NM_021055.3, NM_001370405.1, NM_001363528.2); c.3152+20C>T (NM_001370404.1, NM_001077183.3); c.3044+20C>T (NM_001318827.2); c.2552+20C>T (NM_001318831.2); c.3008+20C>T (NM_001318829.2); c.3185+20C>T (NM_001318832.2).
Identifiers: ClinVar variation 382882 (VCV000382882.10), dbSNP rs1057521477, ClinGen allele CA16608056.

ClinVar aggregate classification (germline): Likely benign. Review status: criteria provided, multiple submitters, no conflicts (2 of 4 stars). 2 submissions from 2 submitters: Likely benign (2). Last evaluated 2025-09-13.

Conditions:
Tuberous sclerosis 2 (TSC2). Identifiers: Orphanet 805, MedGen C1860707, MONDO:0013199, OMIM 613254.

Allele frequency attached by ClinVar (database versions not stated): gnomAD exomes below 0.00001 and 0.00001; gnomAD 0.00001; TOPMed 0.00001.
gnomAD v4.1: 9 of 1,612,592 alleles (0.00056%); highest among the groups gnomAD compares: Non-Finnish European, 0.00076%; no homozygotes.

Submissions (2):

Labcorp Genetics (formerly Invitae), Labcorp
Classification: Likely benign for Tuberous sclerosis 2. Last evaluated: 2025-09-13. Review status: criteria provided, single submitter. Criteria: Invitae Variant Classification Sherloc (09022015). Collection method: clinical testing. Allele origin: germline.

GeneDx
Classification: Likely benign. Last evaluated: 2017-11-13. Review status: criteria provided, single submitter. Criteria: GeneDx Variant Classification (06012015). Collection method: clinical testing. Allele origin: germline. Affected: yes.
Comment: This variant is considered likely benign or benign based on one or more of the following criteria: it is a conservative change, it occurs at a poorly conserved position in the protein, it is predicted to be benign by multiple in silico algorithms, and/or has population frequency not consistent with disease.